The following is an entry in ClinVar:

ClinVar aggregate classification (germline): Pathogenic/Likely pathogenic. Review status: criteria provided, multiple submitters, no conflicts (2 of 4 stars). 4 submissions from 4 submitters: Pathogenic (2); Likely pathogenic (2). Last evaluated 2025-11-09.

Conditions:
Alstrom syndrome (ALMS). Identifiers: Orphanet 64, MedGen C0268425, MONDO:0008763, OMIM 203800.

Submissions (4):

Labcorp Genetics (formerly Invitae), Labcorp
Classification: Pathogenic for Alstrom syndrome. Last evaluated: 2025-11-09. Review status: criteria provided, single submitter. Criteria: Invitae Variant Classification Sherloc (09022015). Collection method: clinical testing. Allele origin: germline.
Comment: This sequence change creates a premature translational stop signal (p.Asn3923Thrfs*4) in the ALMS1 gene. It is expected to result in an absent or disrupted protein product. Loss-of-function variants in ALMS1 are known to be pathogenic (PMID: 17594715). This variant is present in population databases (no rsID available, gnomAD 0.006%). This variant has not been reported in the literature in individuals affected with ALMS1-related conditions. ClinVar contains an entry for this variant (Variation ID: 1216990). For these reasons, this variant has been classified as Pathogenic.

GeneDx
Classification: Pathogenic. Last evaluated: 2025-09-15. Review status: criteria provided, single submitter. Criteria: GeneDx Variant Classification Process June 2021. Collection method: clinical testing. Allele origin: germline. Affected: yes.
Comment: Reported in the heterozygous state with a second ALMS1 variant, phase unknown, in a patient with bilateral sensorineural hearing loss in the published literature; however, familial segregation information and additional clinical information were not included (PMID: 34515852); Frameshift variant predicted to result in protein truncation or nonsense mediated decay in a gene for which loss of function is a known mechanism of disease; Not observed at significant frequency in large population cohorts (gnomAD); This variant is associated with the following publications: (PMID: 34515852)

Natera, Inc.
Classification: Likely pathogenic for Alstrom syndrome. Last evaluated: 2024-11-18. Review status: criteria provided, single submitter. Criteria: Natera Variant Classification Schema (03/2026). Collection method: clinical testing. Allele origin: germline.
Comment: The c.11768delA variant in ALMS1 is a frameshift variant predicted to shift the reading frame beginning at codon 3923 and leads to a stop codon 4 codons downstream. This variant is expected to result in nonsense mediated decay, truncation, or a dysfunctional protein product. This variant is rare in the general population with a frequency below the threshold expected for the associated phenotype(s). Given the available evidence, this variant is classified as Likely Pathogenic.

Fulgent Genetics
Classification: Likely pathogenic for Alstrom syndrome. Last evaluated: 2021-11-02. Review status: criteria provided, single submitter. Criteria: ACMG Guidelines, 2015. Collection method: clinical testing. Allele origin: unknown.

Literature cited by the submitters: PubMed 17594715 (cited by Labcorp Genetics (formerly Invitae), Labcorp).

NM_001378454.1(ALMS1):c.11765del (p.Asn3922fs)

Gene: ALMS1 (ALMS1 centrosome and basal body associated protein; plus strand). Cytogenetic location: 2p13.1.
Variant type: Deletion.
Coding change: c.11765del on transcript NM_001378454.1 (MANE Select); coding-DNA position 11765, one base deleted (A; older notation c.11765delA).
Protein change: p.Asn3922fs; shifts the reading frame from asparagine 3922.
Molecular consequence: frameshift variant.
Genome position (GRCh38, 1-based): chr2:73,600,774, A deleted; the last of 2 consecutive A bases (chr2:73,600,773-73,600,774); deleting either gives the same sequence. VCF-style (leftmost placement, unchanged base first): chr2-73600772-GA-G. GRCh37 (hg19) VCF-style: chr2-73827899-GA-G.
Other names: c.11768delA (NM_015120.4); c.11768del, p.Asn3923fs (NM_015120.4); short protein forms N3922fs, N3923fs.
Identifiers: ClinVar variation 1216990 (VCV001216990.15), dbSNP rs1247974278, ClinGen allele CA534125801.